The following is an entry in ClinVar:

ClinVar aggregate classification (germline): Uncertain significance (1 of 4 stars; one submission).

Conditions:
Hereditary cancer-predisposing syndrome. Also called: Hereditary Cancer Syndrome; Neoplastic Syndromes, Hereditary; Tumor predisposition; Hereditary neoplastic syndrome. Identifiers: Orphanet 140162, MedGen C0027672, MeSH D009386, MONDO:0015356.

Submission:

Ambry Genetics
Classification: Uncertain significance for Hereditary cancer-predisposing syndrome. Last evaluated: 2026-07-07. Review status: criteria provided, single submitter. Criteria: Ambry Variant Classification Scheme 2023. Collection method: clinical testing. Allele origin: germline.
Comment: The p.D303G variant (also known as c.908A>G), located in coding exon 8 of the EGFR gene, results from an A to G substitution at nucleotide position 908. The aspartic acid at codon 303 is replaced by glycine, an amino acid with similar properties. This amino acid position is conserved. In addition, this alteration is predicted to be deleterious by in silico analysis. Based on the available evidence, the clinical significance of this variant remains unclear.

NM_005228.5(EGFR):c.908A>G (p.Asp303Gly)

Gene: EGFR (epidermal growth factor receptor; plus strand). Cytogenetic location: 7p11.2.
Variant type: single nucleotide variant.
Coding change: c.908A>G on transcript NM_005228.5 (MANE Select); coding-DNA position 908, A replaced by G.
Protein change: p.Asp303Gly; replaces aspartic acid 303 with glycine.
Molecular consequence: missense variant.
Genome position (GRCh38, 1-based): chr7:55,155,848, A>G. VCF-style: chr7-55155848-A-G. GRCh37 (hg19) VCF-style: chr7-55223541-A-G.
Other names: c.908A>G, p.Asp303Gly (NM_201284.2, NM_001346898.2, NM_201282.2 and 1 more transcripts); c.773A>G, p.Asp258Gly (NM_001346897.2, NM_001346899.2); c.749A>G, p.Asp250Gly (NM_001346900.2); c.107A>G, p.Asp36Gly (NM_001346941.2); short protein forms D258G, D36G, D250G, D303G.
Identifiers: ClinVar variation 5035778 (VCV005035778.1).